The following is an entry in ClinVar:

ClinVar aggregate classification (germline): Uncertain significance (1 of 4 stars; one submission).

Submission:

Labcorp Genetics (formerly Invitae), Labcorp
Classification: Uncertain significance. Last evaluated: 2023-07-17. Review status: criteria provided, single submitter. Criteria: Invitae Variant Classification Sherloc (09022015). Collection method: clinical testing. Allele origin: germline.
Comment: In summary, the available evidence is currently insufficient to determine the role of this variant in disease. Therefore, it has been classified as a Variant of Uncertain Significance. Advanced modeling of protein sequence and biophysical properties (such as structural, functional, and spatial information, amino acid conservation, physicochemical variation, residue mobility, and thermodynamic stability) performed at Invitae indicates that this missense variant is expected to disrupt KANK1 protein function. ClinVar contains an entry for this variant (Variation ID: 1390394). This variant has not been reported in the literature in individuals affected with KANK1-related conditions. This variant is not present in population databases (gnomAD no frequency). This sequence change replaces phenylalanine, which is neutral and non-polar, with tyrosine, which is neutral and polar, at codon 187 of the KANK1 protein (p.Phe187Tyr).

NM_015158.5(KANK1):c.560T>A (p.Phe187Tyr)

Gene: KANK1 (KN motif and ankyrin repeat domains 1; plus strand). Cytogenetic location: 9p24.3.
Variant type: single nucleotide variant.
Coding change: c.560T>A on transcript NM_015158.5 (MANE Select); coding-DNA position 560, T replaced by A.
Protein change: p.Phe187Tyr; replaces phenylalanine 187 with tyrosine.
Molecular consequence: missense variant. On other transcripts: non-coding transcript variant (1).
Genome position (GRCh38, 1-based): chr9:711,326, T>A. VCF-style: chr9-711326-T-A. GRCh37 (hg19) VCF-style: chr9-711326-T-A.
Other names: c.560T>A, p.Phe187Tyr (NM_001256876.3, NM_001256877.3, NM_001354331.2 and 2 more transcripts); c.86T>A, p.Phe29Tyr (NM_001354333.2, NM_001354335.2, NM_001354336.2 and 9 more transcripts); short protein forms F187Y, F29Y.
Identifiers: ClinVar variation 1390394 (VCV001390394.8), dbSNP rs2130909871, ClinGen allele CA372746410.